The following is an entry in ClinVar:

ClinVar aggregate classification (germline): Uncertain significance (1 of 4 stars; one submission).

Submission:

Labcorp Genetics (formerly Invitae), Labcorp
Classification: Uncertain significance. Last evaluated: 2022-03-15. Review status: criteria provided, single submitter. Criteria: Invitae Variant Classification Sherloc (09022015). Collection method: clinical testing. Allele origin: germline.
Comment: In summary, the available evidence is currently insufficient to determine the role of this variant in disease. Therefore, it has been classified as a Variant of Uncertain Significance. Algorithms developed to predict the effect of missense changes on protein structure and function are either unavailable or do not agree on the potential impact of this missense change (SIFT: "Tolerated"; PolyPhen-2: "Not Available"; Align-GVGD: "Class C0"). This variant has not been reported in the literature in individuals affected with GALNT12-related conditions. The frequency data for this variant in the population databases is considered unreliable, as metrics indicate insufficient coverage at this position in the gnomAD database. This sequence change replaces threonine, which is neutral and polar, with asparagine, which is neutral and polar, at codon 55 of the GALNT12 protein (p.Thr55Asn).

NM_024642.5(GALNT12):c.164C>A (p.Thr55Asn)

Gene: GALNT12 (polypeptide N-acetylgalactosaminyltransferase 12; plus strand). Cytogenetic location: 9q22.33.
Variant type: single nucleotide variant.
Coding change: c.164C>A on transcript NM_024642.5 (MANE Select); coding-DNA position 164, C replaced by A.
Protein change: p.Thr55Asn; replaces threonine 55 with asparagine.
Molecular consequence: missense variant.
Genome position (GRCh38, 1-based): chr9:98,807,862, C>A. VCF-style: chr9-98807862-C-A. GRCh37 (hg19) VCF-style: chr9-101570144-C-A.
Other names: short protein forms T55N.
Identifiers: ClinVar variation 2098809 (VCV002098809.4), dbSNP rs927193317, ClinGen allele CA374222437.